The following is an entry in ClinVar:

NM_139027.6(ADAMTS13):c.4089G>A (p.Gln1363=)

Gene: ADAMTS13 (ADAM metallopeptidase with thrombospondin type 1 motif 13; plus strand). Cytogenetic location: 9q34.2.
Variant type: single nucleotide variant.
Coding change: c.4089G>A on transcript NM_139027.6 (MANE Select); coding-DNA position 4089, G replaced by A.
Protein change: p.Gln1363=; no amino-acid change (glutamine 1363 retained).
Molecular consequence: synonymous variant. On other transcripts: non-coding transcript variant (1).
Genome position (GRCh38, 1-based): chr9:133,459,153, G>A. VCF-style: chr9-133459153-G-A. GRCh37 (hg19) VCF-style: chr9-136324275-G-A.
Other names: c.4257G>A, p.Gln1419= (NM_139025.5); c.3996G>A, p.Gln1332= (NM_139026.6).
Identifiers: ClinVar variation 2755551 (VCV002755551.6), dbSNP rs782061067, ClinGen allele CA200947746.

ClinVar aggregate classification (germline): Likely benign. Review status: criteria provided, multiple submitters, no conflicts (2 of 4 stars). 3 submissions from 3 submitters: Likely benign (2). 1 of the submissions does not count toward it. Last evaluated 2025-12-19.

Conditions:
ADAMTS13-related disorder. Also called: ADAMTS13-related condition.

Allele frequency attached by ClinVar (database versions not stated): gnomAD 0.00007; ExAC 0.00010; gnomAD exomes 0.00007; TOPMed 0.00008.
gnomAD v4.1: 117 of 1,612,124 alleles (0.0073%); highest among the groups gnomAD compares: Admixed American, 0.043%; no homozygotes.

Submissions (3):

Labcorp Genetics (formerly Invitae), Labcorp
Classification: Likely benign. Last evaluated: 2025-12-19. Review status: criteria provided, single submitter. Criteria: Invitae Variant Classification Sherloc (09022015). Collection method: clinical testing. Allele origin: germline.

Women's Health and Genetics/Laboratory Corporation of America, LabCorp
Classification: Likely benign. Last evaluated: 2024-06-24. Review status: criteria provided, single submitter. Criteria: LabCorp Variant Classification Summary - May 2015. Collection method: clinical testing. Allele origin: germline.
Comment: Variant summary: ADAMTS13 c.4257G>A results in a synonymous change. Consensus agreement among computation tools predict no significant impact on normal splicing. However, these predictions have yet to be confirmed by functional studies. The variant allele was found at a frequency of 0.00011 in 247456 control chromosomes. This frequency is not significantly higher than estimated for a pathogenic variant in ADAMTS13 causing Thrombotic Thrombocytopenic Purpura, allowing no conclusion about variant significance. To our knowledge, no occurrence of c.4257G>A in individuals affected with Thrombotic Thrombocytopenic Purpura and no experimental evidence demonstrating its impact on protein function have been reported. No submitters have cited clinical-significance assessments for this variant to ClinVar. Based on the evidence outlined above, the variant was classified as likely benign.

PreventionGenetics, part of Exact Sciences
Classification: Likely benign for ADAMTS13-related condition. Last evaluated: 2021-02-03. Review status: no assertion criteria provided. Collection method: clinical testing. Allele origin: germline. Not counted in ClinVar's aggregate classification.
Comment: This variant is classified as likely benign based on ACMG/AMP sequence variant interpretation guidelines (Richards et al. 2015 PMID: 25741868, with internal and published modifications).